The following is an entry in ClinVar:

NM_000083.3(CLCN1):c.1583-169T>G

Gene: CLCN1 (chloride voltage-gated channel 1; plus strand). Cytogenetic location: 7q34.
Variant type: single nucleotide variant.
Coding change: c.1583-169T>G on transcript NM_000083.3 (MANE Select); 169 bases into the intron before coding-DNA position 1583, T replaced by G.
Molecular consequence: intron variant.
Genome position (GRCh38, 1-based): chr7:143,341,760, T>G. VCF-style: chr7-143341760-T-G. GRCh37 (hg19) VCF-style: chr7-143038853-T-G.
Identifiers: ClinVar variation 679395 (VCV000679395.1), dbSNP rs140839699, ClinGen allele CA168221426.

ClinVar aggregate classification (germline): Likely benign (1 of 4 stars; one submission).

Allele frequency attached by ClinVar (database versions not stated): gnomAD 0.00810 and 0.00873; 1000 Genomes Project 0.00879; 1000 Genomes Project 30x 0.00890; TOPMed 0.00974.
gnomAD v4.1: 1,222 of 152,210 alleles (0.8%); highest among the groups gnomAD compares: African/African-American, 2.8%; 25 homozygotes.

Submission:

GeneDx
Classification: Likely benign. Last evaluated: 2018-06-18. Review status: criteria provided, single submitter. Criteria: GeneDx Variant Classification (06012015). Collection method: clinical testing. Allele origin: germline. Affected: yes.
Comment: This variant is considered likely benign or benign based on one or more of the following criteria: it is a conservative change, it occurs at a poorly conserved position in the protein, it is predicted to be benign by multiple in silico algorithms, and/or has population frequency not consistent with disease.